The following is an entry in ClinVar:

ClinVar aggregate classification (germline): Uncertain significance (1 of 4 stars; one submission).

Submission:

GeneDx
Classification: Uncertain significance. Last evaluated: 2025-05-01. Review status: criteria provided, single submitter. Criteria: GeneDx Variant Classification Process June 2021. Collection method: clinical testing. Allele origin: germline. Affected: yes.
Comment: Not observed at significant frequency in large population cohorts (gnomAD); In silico analysis supports that this missense variant has a deleterious effect on protein structure/function; Has not been previously published as pathogenic or benign to our knowledge

NM_024496.4(IRF2BPL):c.1846G>C (p.Ala616Pro)

Gene: IRF2BPL (interferon regulatory factor 2 binding protein like; minus strand). Cytogenetic location: 14q24.3.
Variant type: single nucleotide variant.
Coding change: c.1846G>C on transcript NM_024496.4 (MANE Select); coding-DNA position 1846, G replaced by C.
Protein change: p.Ala616Pro; replaces alanine 616 with proline.
Molecular consequence: missense variant.
Genome position (GRCh38, 1-based): chr14:77,025,947, C>G on the plus strand (G>C on the coding strand, the complement: IRF2BPL is on the minus strand). VCF-style: chr14-77025947-C-G. GRCh37 (hg19) VCF-style: chr14-77492290-C-G.
Other names: short protein forms A616P.
Identifiers: ClinVar variation 4528005 (VCV004528005.1).
Genomic context (GRCh38, chr14:77,025,947, plus strand): 5'-TGCCCAGAGTATCTGCCACCGACATGAGAGCGGCCATAGGGGACGGACCGTTCTGGGGGG[C>G]TGACTCAGGTGGGGTGGTCCGGTTGGAATGGGGTCCCAGAGGTGGGGGCGGCGGAGGCGG-3'
Protein context (NP_078772.1, residues 606-626): HSNRTTPPES[Ala616Pro]PQNGPSPMAA